The following is an entry in ClinVar:

NM_000368.5(TSC1):c.2542T>C (p.Leu848=)

Gene: TSC1 (TSC complex subunit 1; minus strand). Cytogenetic location: 9q34.13.
Variant type: single nucleotide variant.
Coding change: c.2542T>C on transcript NM_000368.5 (MANE Select); coding-DNA position 2542, T replaced by C.
Protein change: p.Leu848=; no amino-acid change (leucine 848 retained).
Molecular consequence: synonymous variant.
Genome position (GRCh38, 1-based): chr9:132,900,798, A>G on the plus strand (T>C on the coding strand, the complement: TSC1 is on the minus strand). VCF-style: chr9-132900798-A-G. GRCh37 (hg19) VCF-style: chr9-135776185-A-G.
Other names: c.2179T>C, p.Leu727= (NM_001362177.2); c.2542T>C (NM_000368.4); c.2539T>C, p.Leu847= (NM_001162426.2); c.2389T>C, p.Leu797= (NM_001162427.2).
Identifiers: ClinVar variation 1128032 (VCV001128032.14), dbSNP rs780394011, ClinGen allele CA033408.

ClinVar aggregate classification (germline): Benign/Likely benign. Review status: criteria provided, multiple submitters, no conflicts (2 of 4 stars). 3 submissions from 3 submitters: Benign (1); Likely benign (2). Last evaluated 2025-05-25.

Conditions:
Hereditary cancer-predisposing syndrome. Also called: Neoplastic Syndromes, Hereditary; Tumor predisposition; Hereditary Cancer Syndrome; Hereditary neoplastic syndrome. Identifiers: Orphanet 140162, MedGen C0027672, MeSH D009386, MONDO:0015356.
Tuberous sclerosis 1 (TSC1). Identifiers: Orphanet 805, MedGen C1854465, MONDO:0008612, OMIM 191100.

Allele frequency attached by ClinVar (database versions not stated): TOPMed below 0.00001; gnomAD 0.00001; gnomAD exomes 0.00001 and 0.00002; ExAC 0.00002.
gnomAD v4.1: 14 of 1,614,084 alleles (0.00087%); highest among the groups gnomAD compares: South Asian, 0.015%; no homozygotes.

Submissions (3):

Labcorp Genetics (formerly Invitae), Labcorp
Classification: Likely benign for Tuberous sclerosis 1. Last evaluated: 2025-05-25. Review status: criteria provided, single submitter. Criteria: Invitae Variant Classification Sherloc (09022015). Collection method: clinical testing. Allele origin: germline.

Myriad Genetics, Inc.
Classification: Benign for Tuberous sclerosis 1. Last evaluated: 2025-04-25. Review status: criteria provided, single submitter. Criteria: Myriad Autosomal Dominant, Autosomal Recessive and X-Linked Classification Criteria (2023). Collection method: clinical testing. Allele origin: unknown.
Comment: This variant is considered benign. This variant is a silent/synonymous amino acid change and it is not expected to impact splicing.

Ambry Genetics
Classification: Likely benign for Hereditary cancer-predisposing syndrome. Last evaluated: 2023-05-02. Review status: criteria provided, single submitter. Criteria: Ambry Variant Classification Scheme 2023. Collection method: clinical testing. Allele origin: germline.